The following is an entry in ClinVar:

NM_020461.4(TUBGCP6):c.1204G>A (p.Glu402Lys)

Gene: TUBGCP6 (tubulin gamma complex component 6; minus strand). Cytogenetic location: 22q13.33.
Variant type: single nucleotide variant.
Coding change: c.1204G>A on transcript NM_020461.4 (MANE Select); coding-DNA position 1204, G replaced by A.
Protein change: p.Glu402Lys; replaces glutamic acid 402 with lysine.
Molecular consequence: missense variant.
Genome position (GRCh38, 1-based): chr22:50,229,490, C>T on the plus strand (G>A on the coding strand, the complement: TUBGCP6 is on the minus strand). VCF-style: chr22-50229490-C-T. GRCh37 (hg19) VCF-style: chr22-50667919-C-T.
Other names: short protein forms E402K.
Identifiers: ClinVar variation 1040842 (VCV001040842.10), dbSNP rs757545083, ClinGen allele CA10308790.

ClinVar aggregate classification (germline): Uncertain significance (1 of 4 stars; one submission).

Allele frequency attached by ClinVar (database versions not stated): gnomAD 0.00001 and 0.00002; TOPMed 0.00001; ExAC 0.00002; gnomAD exomes 0.00002 and 0.00003.
gnomAD v4.1: 50 of 1,611,744 alleles (0.0031%); highest among the groups gnomAD compares: Middle Eastern, 0.017%; no homozygotes.

Submissions (3):

Labcorp Genetics (formerly Invitae), Labcorp
Classification: Uncertain significance. Last evaluated: 2024-07-08. Review status: criteria provided, single submitter. Criteria: Invitae Variant Classification Sherloc (09022015). Collection method: clinical testing. Allele origin: germline.
Comment: This sequence change replaces glutamic acid, which is acidic and polar, with lysine, which is basic and polar, at codon 402 of the TUBGCP6 protein (p.Glu402Lys). This variant is present in population databases (rs757545083, gnomAD 0.006%). This variant has not been reported in the literature in individuals affected with TUBGCP6-related conditions. ClinVar contains an entry for this variant (Variation ID: 1040842). An algorithm developed to predict the effect of missense changes on protein structure and function (PolyPhen-2) suggests that this variant is likely to be disruptive. In summary, the available evidence is currently insufficient to determine the role of this variant in disease. Therefore, it has been classified as a Variant of Uncertain Significance.

Dr. Peter K. Rogan Lab, Western University
No classification provided (evidence only). Condition: Uterine corpus endometrial carcinoma. Review status: no classification provided. Collection method: in vitro. Allele origin: not applicable. Functional consequence: retained intron. Not counted in ClinVar's aggregate classification.

Dr. Peter K. Rogan Lab, Western University
No classification provided (evidence only). Condition: Cervical cancer. Review status: no classification provided. Collection method: in vitro. Allele origin: not applicable. Functional consequence: retained intron. Not counted in ClinVar's aggregate classification.